The following is an entry in ClinVar:

ClinVar aggregate classification (germline): Uncertain significance. Review status: criteria provided, multiple submitters, no conflicts (2 of 4 stars). 2 submissions from 2 submitters: Uncertain significance (2). Last evaluated 2018-04-02.

Conditions:
Long QT syndrome (LQTS). Identifiers: MedGen C0023976, MeSH D008133, MONDO:0002442. Disease mechanism: loss of function. Inheritance: Various modes of inheritance.
Cardiovascular phenotype. Identifiers: MedGen CN230736.

Submissions (2):

Labcorp Genetics (formerly Invitae), Labcorp
Classification: Uncertain significance for Long QT syndrome. Last evaluated: 2018-04-02. Review status: criteria provided, single submitter. Criteria: Invitae Variant Classification Sherloc (09022015). Collection method: clinical testing. Allele origin: germline.
Comment: In summary, the available evidence is currently insufficient to determine the role of this variant in disease. Therefore, it has been classified as a Variant of Uncertain Significance. Algorithms developed to predict the effect of missense changes on protein structure and function do not agree on the potential impact of this missense change (SIFT: "Deleterious"; PolyPhen-2: "Probably Damaging"; Align-GVGD: "Class C0"). This sequence change replaces glycine with glutamic acid at codon 1023 of the ANK2 protein (p.Gly1023Glu). The glycine residue is highly conserved and there is a moderate physicochemical difference between glycine and glutamic acid. This variant is not present in population databases (ExAC no frequency). This variant has not been reported in the literature in individuals with ANK2-related disease.

Ambry Genetics
Classification: Uncertain significance for Cardiovascular phenotype. Last evaluated: 2016-04-04. Review status: criteria provided, single submitter. Criteria: Ambry Variant Classification Scheme 2023. Collection method: clinical testing. Allele origin: germline.
Comment: The p.G1023E variant (also known as c.3068G>A), located in coding exon 27 of the ANK2 gene, results from a G to A substitution at nucleotide position 3068. The glycine at codon 1023 is replaced by glutamic acid, an amino acid with similar properties. This variant was not reported in population based cohorts in the following databases: Database of Single Nucleotide Polymorphisms (dbSNP), NHLBI Exome Sequencing Project (ESP), and 1000 Genomes Project. In the ESP, this variant was not observed in 6503 samples (13006 alleles) with coverage at this position. This amino acid position is highly conserved in available vertebrate species. In addition, this alteration is predicted to be deleterious by in silico analysis. Since supporting evidence is limited at this time, the clinical significance of this alteration remains unclear.

NM_001148.6(ANK2):c.3068G>A (p.Gly1023Glu)

Gene: ANK2 (ankyrin 2; plus strand). Cytogenetic location: 4q26.
Variant type: single nucleotide variant.
Coding change: c.3068G>A on transcript NM_001148.6 (MANE Select); coding-DNA position 3068, G replaced by A.
Protein change: p.Gly1023Glu; replaces glycine 1023 with glutamic acid.
Molecular consequence: missense variant.
Genome position (GRCh38, 1-based): chr4:113,330,413, G>A. VCF-style: chr4-113330413-G-A. GRCh37 (hg19) VCF-style: chr4-114251569-G-A.
Other names: c.695G>A, p.Gly232Glu (NM_001354278.2, NM_001354280.2, NM_001354281.2); c.731G>A, p.Gly244Glu (NM_001354279.2, NM_001354282.2); c.2966G>A, p.Gly989Glu (NM_001386142.1, NM_001386154.1, NM_001354274.2); c.3005G>A, p.Gly1002Glu (NM_001386143.1, NM_001354243.2, NM_001354245.2 and 3 more transcripts); c.3113G>A, p.Gly1038Glu (NM_001386144.1, NM_001354240.2, NM_001354241.2); c.2981G>A, p.Gly994Glu (NM_001386146.1, NM_001386149.1, NM_001386150.1 and 7 more transcripts); c.3026G>A, p.Gly1009Glu (NM_001386147.1, NM_001354261.2); c.3053G>A, p.Gly1018Glu (NM_001386148.2, NM_001386186.2); and 23 more; short protein forms G1014E, G1023E, G1006E, G1022E, G1027E, G1037E, G1049E, G232E.
Identifiers: ClinVar variation 576298 (VCV000576298.7), dbSNP rs1563809304, ClinGen allele CA357935245.